The following is an entry in ClinVar:

NM_001371279.1(REEP1):c.183-2A>G

Gene: REEP1 (receptor accessory protein 1; minus strand). Cytogenetic location: 2p11.2.
Variant type: single nucleotide variant.
Coding change: c.183-2A>G on transcript NM_001371279.1 (MANE Select); the canonical splice acceptor site of the intron before coding-DNA position 183, A replaced by G.
Molecular consequence: splice acceptor variant. On other transcripts: intron variant (1).
Genome position (GRCh38, 1-based): chr2:86,254,816, T>C on the plus strand (A>G on the coding strand, the complement: REEP1 is on the minus strand). VCF-style: chr2-86254816-T-C. GRCh37 (hg19) VCF-style: chr2-86481939-T-C.
Other names: IVS3AS, A-G, -2; c.204-2A>G (NM_001164730.2); c.102-2A>G (NM_001164731.2); c.182+9149A>G (NM_001164732.2); c.183-2A>G (NM_001371280.1, NM_022912.3, NM_001410855.1 and 1 more transcripts).
Identifiers: ClinVar variation 1860 (VCV000001860.6), dbSNP rs387906264, ClinGen allele CA115244.

ClinVar aggregate classification (germline): Pathogenic. Review status: criteria provided, multiple submitters, no conflicts (2 of 4 stars). 3 submissions from 3 submitters: Pathogenic (2). 1 of the submissions does not count toward it. Last evaluated 2025-03-24.

Conditions:
REEP1-related disorder. Also called: REEP1-related condition.
Hereditary spastic paraplegia 31. Also called: SPASTIC PARAPLEGIA 31, AUTOSOMAL DOMINANT. Identifiers: Orphanet 101011, MedGen C1853247, MONDO:0012453, OMIM 610250.

Allele frequency attached by ClinVar (database versions not stated): gnomAD exomes below 0.00001.
gnomAD v4.1: 2 of 1,613,922 alleles (0.00012%); highest among the groups gnomAD compares: Non-Finnish European, 0.00017%; no homozygotes.

Submissions (3):

Labcorp Genetics (formerly Invitae), Labcorp
Classification: Pathogenic for Hereditary spastic paraplegia 31. Last evaluated: 2025-03-24. Review status: criteria provided, single submitter. Criteria: Invitae Variant Classification Sherloc (09022015). Collection method: clinical testing. Allele origin: germline.
Comment: This sequence change affects an acceptor splice site in intron 3 of the REEP1 gene. It is expected to disrupt RNA splicing. Variants that disrupt the donor or acceptor splice site typically lead to a loss of protein function (PMID: 16199547), and loss-of-function variants in REEP1 are known to be pathogenic (PMID: 18321925, 18644145, 32655478). This variant is not present in population databases (gnomAD no frequency). Disruption of this splice site has been observed in individual(s) with hereditary spastic paraplegia (PMID: 16826527). It has also been observed to segregate with disease in related individuals. ClinVar contains an entry for this variant (Variation ID: 1860). Algorithms developed to predict the effect of sequence changes on RNA splicing suggest that this variant may disrupt the consensus splice site. For these reasons, this variant has been classified as Pathogenic.

Blueprint Genetics
Classification: Pathogenic for REEP1-related disorders. Last evaluated: 2020-03-27. Review status: criteria provided, single submitter. Criteria: ACMG Guidelines, 2015. Collection method: clinical testing. Allele origin: germline. Affected: yes. Observed: 1 variant allele.

OMIM
Classification: Pathogenic for SPASTIC PARAPLEGIA 31, AUTOSOMAL DOMINANT. Last evaluated: 2006-08-01. Review status: no assertion criteria provided. Collection method: literature only. Allele origin: germline. Not counted in ClinVar's aggregate classification.

Literature cited by the submitters: PubMed 16199547 (cited by Labcorp Genetics (formerly Invitae), Labcorp); PubMed 18321925 (cited by Labcorp Genetics (formerly Invitae), Labcorp); PubMed 18644145 (cited by Labcorp Genetics (formerly Invitae), Labcorp); PubMed 32655478 (cited by Labcorp Genetics (formerly Invitae), Labcorp); PubMed 16826527 (cited by Labcorp Genetics (formerly Invitae), Labcorp and OMIM); PubMed 21618648 (cited by OMIM).